The following is an entry in ClinVar:

NM_000257.4(MYH7):c.5380C>G (p.Gln1794Glu)

Gene: MYH7 (myosin heavy chain 7; minus strand). Cytogenetic location: 14q11.2.
Variant type: single nucleotide variant.
Coding change: c.5380C>G on transcript NM_000257.4 (MANE Select); coding-DNA position 5380, C replaced by G.
Protein change: p.Gln1794Glu; replaces glutamine 1794 with glutamic acid.
Molecular consequence: missense variant.
Genome position (GRCh38, 1-based): chr14:23,415,174, G>C on the plus strand (C>G on the coding strand, the complement: MYH7 is on the minus strand). VCF-style: chr14-23415174-G-C. GRCh37 (hg19) VCF-style: chr14-23884383-G-C.
Other names: p.Q1794E:CAG>GAG; short protein forms Q1794E.
Identifiers: ClinVar variation 43067 (VCV000043067.17), dbSNP rs397516247, ClinGen allele CA016040.

ClinVar aggregate classification (germline): Conflicting classifications of pathogenicity. Review status: criteria provided, conflicting classifications (1 of 4 stars). 4 submissions from 4 submitters: Likely pathogenic (1); Uncertain significance (3). Last evaluated 2024-05-13.

Conditions:
Cardiomyopathy (CMYO). Also called: Cardiomyopathies. Identifiers: Orphanet 167848, MedGen C0878544, MONDO:0004994, HP:0001638. Inheritance: Various modes of inheritance.
Hypertrophic cardiomyopathy. Also called: HYPERTROPHIC MYOCARDIOPATHY. Identifiers: Orphanet 217569, MedGen C0007194, MeSH D002312, MONDO:0005045, HP:0001639.

Submissions (4):

GeneDx
Classification: Uncertain significance. Last evaluated: 2024-05-13. Review status: criteria provided, single submitter. Criteria: GeneDx Variant Classification Process June 2021. Collection method: clinical testing. Allele origin: germline. Affected: yes.
Comment: Not observed at significant frequency in large population cohorts (gnomAD); In silico analysis indicates that this missense variant does not alter protein structure/function; This variant is associated with the following publications: (PMID: 28606303, 20474083, 22464770, 27532257, 24503780, 37652022)

CHEO Genetics Diagnostic Laboratory, Children's Hospital of Eastern Ontario
Classification: Likely pathogenic for Cardiomyopathy. Last evaluated: 2023-06-28. Review status: criteria provided, single submitter. Criteria: ACMG Guidelines, 2015. Collection method: clinical testing. Allele origin: germline. Study: Canadian Open Genetics Repository.

Laboratory for Molecular Medicine, Mass General Brigham Personalized Medicine
Classification: Uncertain significance. Last evaluated: 2018-11-01. Review status: criteria provided, single submitter. Criteria: LMM Criteria. Collection method: clinical testing. Allele origin: germline. Observed: 1 variant allele.
Comment: proposed classification - variant undergoing re-assessment, contact laboratory

Labcorp Genetics (formerly Invitae), Labcorp
Classification: Uncertain significance for Hypertrophic cardiomyopathy. Last evaluated: 2016-05-20. Review status: criteria provided, single submitter. Criteria: Invitae Variant Classification Sherloc (09022015). Collection method: clinical testing. Allele origin: germline.
Comment: A computational algorithm designed to assess the pathogenicity of variants in MYH7 with regard to hypertrophic cardiomyopathy predicted this sequence change to be deleterious. The algorithm has a sensitivity of 94% and a specificity of 89% (PMID: 21310275). This variant has been reported in an individual affected with dilated cardiomyopathy (PMID: 22464770). ClinVar contains an entry for this variant (Variation ID: 43067). This variant is not present in population databases (rs397516247, ExAC no frequency). This sequence change replaces glutamine with glutamic acid at codon 1794 of the MYH7 protein (p.Gln1794Glu). The glutamine residue is highly conserved and there is a small physicochemical difference between glutamine and glutamic acid. In summary, this variant is a rare missense change with uncertain impact on protein function. While it is absent from the population and reported in affected individuals, the available evidence is currently insufficient to determine its role in disease. Therefore, it has been classified as a Variant of Uncertain Significance.

Literature cited by the submitters: PubMed 22464770 (cited by Laboratory for Molecular Medicine, Mass General Brigham Personalized Medicine and Labcorp Genetics (formerly Invitae), Labcorp); PubMed 20474083 (cited by Laboratory for Molecular Medicine, Mass General Brigham Personalized Medicine); PubMed 27532257 (cited by Laboratory for Molecular Medicine, Mass General Brigham Personalized Medicine); PubMed 21310275 (cited by Labcorp Genetics (formerly Invitae), Labcorp).